The following is an entry in ClinVar:

NM_144691.4(CAPN12):c.1887T>C (p.Phe629=)

Gene: CAPN12 (calpain 12; minus strand). Cytogenetic location: 19q13.2.
Variant type: single nucleotide variant.
Coding change: c.1887T>C on transcript NM_144691.4 (MANE Select); coding-DNA position 1887, T replaced by C.
Protein change: p.Phe629=; no amino-acid change (phenylalanine 629 retained).
Molecular consequence: synonymous variant.
Genome position (GRCh38, 1-based): chr19:38,733,773, A>G on the plus strand (T>C on the coding strand, the complement: CAPN12 is on the minus strand). VCF-style: chr19-38733773-A-G. GRCh37 (hg19) VCF-style: chr19-39224413-A-G.
Identifiers: ClinVar variation 1266840 (VCV001266840.5), dbSNP rs4801861, ClinGen allele CA9418360.

ClinVar aggregate classification (germline): Benign. Review status: criteria provided, multiple submitters, no conflicts (2 of 4 stars). 3 submissions from 3 submitters: Benign (2). 1 of the submissions does not count toward it. Last evaluated 2018-07-05.

Conditions:
CAPN12-related disorder. Also called: CAPN12-related condition.

Allele frequency attached by ClinVar (database versions not stated): gnomAD exomes 0.75673 and 0.76452; ExAC 0.76544; 1000 Genomes Project 0.80112; 1000 Genomes Project 30x 0.80294; TOPMed 0.80422; gnomAD 0.80498 and 0.80850; ESP Exome Variant Server 0.81782.
gnomAD v4.1: 1,239,316 of 1,612,454 alleles (77%); highest among the groups gnomAD compares: African/African-American, 96%; 479,046 homozygotes.

Submissions (3):

GeneDx
Classification: Benign. Last evaluated: 2018-07-05. Review status: criteria provided, single submitter. Criteria: GeneDx Variant Classification Process June 2021. Collection method: clinical testing. Allele origin: germline. Affected: yes.

Breakthrough Genomics
Classification: Benign. Review status: criteria provided, single submitter. Criteria: ACMG Guidelines, 2015. Collection method: not provided. Allele origin: germline. Inheritance: Unknown mechanism. Affected: yes.

PreventionGenetics, part of Exact Sciences
Classification: Benign for CAPN12-related condition. Last evaluated: 2019-10-17. Review status: no assertion criteria provided. Collection method: clinical testing. Allele origin: germline. Not counted in ClinVar's aggregate classification.
Comment: This variant is classified as benign based on ACMG/AMP sequence variant interpretation guidelines (Richards et al. 2015 PMID: 25741868, with internal and published modifications).